The following is an entry in ClinVar:

ClinVar aggregate classification (germline): Conflicting classifications of pathogenicity. Review status: criteria provided, conflicting classifications (1 of 4 stars). 3 submissions from 3 submitters: Uncertain significance (1); Likely benign (2). Last evaluated 2026-07-01.

Submissions (3):

CeGaT Center for Human Genetics Tuebingen
Classification: Likely benign. Last evaluated: 2026-07-01. Review status: criteria provided, single submitter. Criteria: CeGaT Center For Human Genetics Tuebingen Variant Classification Criteria Version 2. Collection method: clinical testing. Allele origin: germline. Affected: yes. Observed: 1 variant allele.
Comment: ZSWIM6: BS1

Labcorp Genetics (formerly Invitae), Labcorp
Classification: Likely benign. Last evaluated: 2025-02-03. Review status: criteria provided, single submitter. Criteria: Invitae Variant Classification Sherloc (09022015). Collection method: clinical testing. Allele origin: germline.

Revvity Omics, Revvity
Classification: Uncertain significance. Last evaluated: 2021-12-31. Review status: criteria provided, single submitter. Criteria: ACMG Guidelines, 2015. Collection method: clinical testing. Allele origin: germline.

NM_020928.2(ZSWIM6):c.151GCG[8] (p.Ala55_Ala56dup)

Gene: ZSWIM6 (zinc finger SWIM-type containing 6; plus strand). Cytogenetic location: 5q12.1.
Variant type: Microsatellite.
Coding change: c.151GCG[8] on transcript NM_020928.2 (MANE Select); eight copies in a row of the 3-base unit GCG starting at c.151; the reference has six copies in a row; two copies, 6 bases duplicated; also written c.163_168dup.
Protein change: p.Ala55_Ala56dup.
Molecular consequence: inframe insertion.
Genome position (GRCh38, 1-based): chr5:61,332,435-61,332,440, GCGGCG duplicated; duplicating any 6 consecutive bases within chr5:61,332,423-61,332,440 gives the same sequence; the position shown is the placement nearest the transcript's 3' end. VCF-style (leftmost placement, unchanged base first): chr5-61332422-C-CGCGGCG. GRCh37 (hg19) VCF-style: chr5-60628249-C-CGCGGCG.
Other names: c.163_168dup (NM_020928.2).
Identifiers: ClinVar variation 1645028 (VCV001645028.12), dbSNP rs779283808, ClinGen allele CA560299890.